The following is an entry in ClinVar:

ClinVar aggregate classification (germline): Uncertain significance. Review status: criteria provided, multiple submitters, no conflicts (2 of 4 stars). 2 submissions from 2 submitters: Uncertain significance (2). Last evaluated 2025-12-15.

Conditions:
Inborn genetic diseases. Identifiers: MedGen C0950123, MeSH D030342.

gnomAD v4.1: 1 of 1,613,838 alleles (0.000062%); highest among the groups gnomAD compares: Non-Finnish European, 0.000085%; no homozygotes.

Submissions (2):

Ambry Genetics
Classification: Uncertain significance for Inborn genetic diseases. Last evaluated: 2025-12-15. Review status: criteria provided, single submitter. Criteria: Ambry Variant Classification Scheme 2023. Collection method: clinical testing. Allele origin: germline.

GeneDx
Classification: Uncertain significance. Last evaluated: 2024-11-19. Review status: criteria provided, single submitter. Criteria: GeneDx Variant Classification Process June 2021. Collection method: clinical testing. Allele origin: germline. Affected: yes.
Comment: Not observed at significant frequency in large population cohorts (gnomAD); In silico analysis supports that this missense variant has a deleterious effect on protein structure/function; Has not been previously published as pathogenic or benign to our knowledge

NM_001378452.1(ITPR1):c.125A>C (p.Glu42Ala)

Gene: ITPR1 (inositol 1,4,5-trisphosphate receptor type 1; plus strand). Cytogenetic location: 3p26.1.
Variant type: single nucleotide variant.
Coding change: c.125A>C on transcript NM_001378452.1 (MANE Select); coding-DNA position 125, A replaced by C.
Protein change: p.Glu42Ala; replaces glutamic acid 42 with alanine.
Molecular consequence: missense variant.
Genome position (GRCh38, 1-based): chr3:4,521,056, A>C. VCF-style: chr3-4521056-A-C. GRCh37 (hg19) VCF-style: chr3-4562740-A-C.
Other names: c.125A>C, p.Glu42Ala (NM_001099952.4, NM_001168272.2, NM_002222.7); short protein forms E42A.
Identifiers: ClinVar variation 3900450 (VCV003900450.2).